The following is an entry in ClinVar:

ClinVar aggregate classification (germline): Benign/Likely benign. Review status: criteria provided, multiple submitters, no conflicts (2 of 4 stars). 4 submissions from 4 submitters: Benign (1); Likely benign (3). Last evaluated 2026-01-20.

Conditions:
Lethal polymalformative syndrome, Boissel type. Also called: GROWTH RETARDATION, DEVELOPMENTAL DELAY, AND FACIAL DYSMORPHISM. Identifiers: Orphanet 210144, MedGen C2752001, MONDO:0013050, OMIM 612938.

Allele frequency attached by ClinVar (database versions not stated): gnomAD exomes 0.00107; ExAC 0.00136; 1000 Genomes Project 30x 0.00281; 1000 Genomes Project 0.00300; gnomAD 0.00357; ESP Exome Variant Server 0.00431; TOPMed 0.00479.
gnomAD v4.1: 1,249 of 1,614,120 alleles (0.077%); highest among the groups gnomAD compares: African/African-American, 1.4%; 13 homozygotes.

Submissions (4):

Labcorp Genetics (formerly Invitae), Labcorp
Classification: Benign. Last evaluated: 2026-01-20. Review status: criteria provided, single submitter. Criteria: Invitae Variant Classification Sherloc (09022015). Collection method: clinical testing. Allele origin: germline.

Illumina Laboratory Services, Illumina
Classification: Likely benign for Lethal polymalformative syndrome, Boissel type. Last evaluated: 2017-04-27. Review status: criteria provided, single submitter. Criteria: ICSL Variant Classification Criteria 13 December 2019. Collection method: clinical testing. Allele origin: germline.
Comment: This variant was observed as part of a predisposition screen in an ostensibly healthy population. A literature search was performed for the gene, cDNA change, and amino acid change (where applicable). No publications were found based on this search. Allele frequency data from public databases allowed determination this variant is unlikely to cause disease. Therefore, this variant is classified as likely benign.

Center for Pediatric Genomic Medicine, Children's Mercy Hospital and Clinics
Classification: Likely benign. Last evaluated: 2017-02-22. Review status: criteria provided, single submitter. Criteria: ACMG Guidelines, 2015. Collection method: clinical testing. Allele origin: germline.

Breakthrough Genomics
Classification: Likely benign. Review status: criteria provided, single submitter. Criteria: ACMG Guidelines, 2015. Collection method: not provided. Allele origin: germline. Inheritance: Autosomal recessive inheritance. Affected: yes.

NM_001080432.3(FTO):c.545G>C (p.Gly182Ala)

Gene: FTO (FTO alpha-ketoglutarate dependent dioxygenase; plus strand). Cytogenetic location: 16q12.2.
Variant type: single nucleotide variant.
Coding change: c.545G>C on transcript NM_001080432.3 (MANE Select); coding-DNA position 545, G replaced by C.
Protein change: p.Gly182Ala; replaces glycine 182 with alanine.
Molecular consequence: missense variant.
Genome position (GRCh38, 1-based): chr16:53,826,285, G>C. VCF-style: chr16-53826285-G-C. GRCh37 (hg19) VCF-style: chr16-53860197-G-C.
Other names: c.545G>C, p.Gly182Ala (NM_001363891.2, NM_001363894.2, NM_001363896.2 and 6 more transcripts); c.467G>C, p.Gly156Ala (NM_001363897.2); c.32G>C, p.Gly11Ala (NM_001363905.2); short protein forms G182A, G156A, G11A.
Identifiers: ClinVar variation 445384 (VCV000445384.16), dbSNP rs61743972, ClinGen allele CA8058392.